The following is an entry in ClinVar:

NM_000202.8(IDS):c.801del (p.Pro266_Trp267insTer)

Genes: IDS (iduronate 2-sulfatase; minus strand), LOC106050102 (IDS recombination region; plus strand). Cytogenetic location: Xq28.
Variant type: Deletion.
Coding change: c.801del on transcript NM_000202.8 (MANE Select); coding-DNA position 801, one base deleted (G; older notation c.801delG).
Protein change: p.Pro266_Trp267insTer.
Molecular consequence: nonsense. On other transcripts: non-coding transcript variant (1).
Genome position (GRCh38, 1-based): chrX:149,496,424, C deleted on the plus strand (G on the coding strand, the reverse complement: IDS is on the minus strand); the first of 2 consecutive C bases (chrX:149,496,424-149,496,425); deleting either gives the same sequence. VCF-style (leftmost placement, unchanged base first): chrX-149496423-TC-T. GRCh37 (hg19) VCF-style: chrX-148577954-TC-T.
Other names: c.531del, p.Pro176_Trp177insTer (NM_001166550.4); c.801del, p.Pro266_Trp267insTer (NM_006123.5).
Identifiers: ClinVar variation 3255850 (VCV003255850.2).

ClinVar aggregate classification (germline): Pathogenic (1 of 4 stars; one submission).

Conditions:
Mucopolysaccharidosis, MPS-II (MPS2). Also called: Hunter Syndrome; IDURONATE 2-SULFATASE DEFICIENCY; Mucopolysaccharidosis Type II; Mucopolysaccharidosis type 2; Attenuated MPS (subtype; formerly known as mild MPS II); Severe MPS II. Identifiers: Orphanet 580, Orphanet 79388, MedGen C0026705, MONDO:0010674, OMIM 309900.

Submission:

Laboratory of Diagnosis and Therapy of Lysosomal Disorders, University of Padova
Classification: Pathogenic for Mucopolysaccharidosis, MPS-II. Last evaluated: 2024-06-07. Review status: criteria provided, single submitter. Criteria: ACMG Guidelines, 2015. Collection method: literature only. Allele origin: germline. Affected: yes. Observed: 1 variant allele.
Comment: Null variant (PVS1_VeryStrong), Absent from controls (or at low frequency) in gnomAD database (PM2_Moderate), Patient’s phenotype or family history highly specific for the disease (PP4_Strong)

Classification method: ACMG Guidelines [PMID:25741868] with modifications

Literature cited by the submitters: PubMed 34813777.